The following is an entry in ClinVar:

ClinVar aggregate classification (germline): Uncertain significance. Review status: criteria provided, multiple submitters, no conflicts (2 of 4 stars). 2 submissions from 2 submitters: Uncertain significance (2). Last evaluated 2026-03-24.

Conditions:
Inborn genetic diseases. Identifiers: MedGen C0950123, MeSH D030342.
Mosaic variegated aneuploidy syndrome 2 (MVA2). Identifiers: Orphanet 1052, MedGen C3279843, MONDO:0013582, OMIM 614114.

Allele frequency attached by ClinVar (database versions not stated): gnomAD exomes below 0.00001.
gnomAD v4.1: 1 of 1,614,162 alleles (0.000062%); highest among the groups gnomAD compares: Non-Finnish European, 0.000085%; no homozygotes.

Submissions (2):

Ambry Genetics
Classification: Uncertain significance for Inborn genetic diseases. Last evaluated: 2026-03-24. Review status: criteria provided, single submitter. Criteria: Ambry Variant Classification Scheme 2023. Collection method: clinical testing. Allele origin: germline.
Comment: The p.Q308R variant (also known as c.923A>G), located in coding exon 9 of the CEP57 gene, results from an A to G substitution at nucleotide position 923. The glutamine at codon 308 is replaced by arginine, an amino acid with highly similar properties. This amino acid position is conserved. In addition, this alteration is predicted to be deleterious by in silico analysis. Based on the available evidence, the clinical significance of this variant remains unclear.

Labcorp Genetics (formerly Invitae), Labcorp
Classification: Uncertain significance for Mosaic variegated aneuploidy syndrome 2. Last evaluated: 2023-06-16. Review status: criteria provided, single submitter. Criteria: Invitae Variant Classification Sherloc (09022015). Collection method: clinical testing. Allele origin: germline.
Comment: This variant is not present in population databases (gnomAD no frequency). This sequence change replaces glutamine, which is neutral and polar, with arginine, which is basic and polar, at codon 308 of the CEP57 protein (p.Gln308Arg). This variant has not been reported in the literature in individuals affected with CEP57-related conditions. ClinVar contains an entry for this variant (Variation ID: 1364831). Advanced modeling of protein sequence and biophysical properties (such as structural, functional, and spatial information, amino acid conservation, physicochemical variation, residue mobility, and thermodynamic stability) performed at Invitae indicates that this missense variant is expected to disrupt CEP57 protein function. In summary, the available evidence is currently insufficient to determine the role of this variant in disease. Therefore, it has been classified as a Variant of Uncertain Significance.

NM_014679.5(CEP57):c.923A>G (p.Gln308Arg)

Gene: CEP57 (centrosomal protein 57; plus strand). Cytogenetic location: 11q21.
Variant type: single nucleotide variant.
Coding change: c.923A>G on transcript NM_014679.5 (MANE Select); coding-DNA position 923, A replaced by G.
Protein change: p.Gln308Arg; replaces glutamine 308 with arginine.
Molecular consequence: missense variant.
Genome position (GRCh38, 1-based): chr11:95,827,823, A>G. VCF-style: chr11-95827823-A-G. GRCh37 (hg19) VCF-style: chr11-95560987-A-G.
Other names: c.896A>G, p.Gln299Arg (NM_001243776.2); c.845A>G, p.Gln282Arg (NM_001243777.2); c.842A>G, p.Gln281Arg (NM_001363604.2); c.923A>G (NM_014679.4); short protein forms Q281R, Q282R, Q299R, Q308R.
Identifiers: ClinVar variation 1364831 (VCV001364831.9), dbSNP rs2135373107, ClinGen allele CA382407576.